The following is an entry in ClinVar:

NM_138773.4(SLC25A46):c.146T>C (p.Ile49Thr)

Gene: SLC25A46 (solute carrier family 25 member 46; plus strand). Cytogenetic location: 5q22.1.
Variant type: single nucleotide variant.
Coding change: c.146T>C on transcript NM_138773.4 (MANE Select); coding-DNA position 146, T replaced by C.
Protein change: p.Ile49Thr; replaces isoleucine 49 with threonine.
Molecular consequence: missense variant. On other transcripts: non-coding transcript variant (1), intron variant (1).
Genome position (GRCh38, 1-based): chr5:110,739,265, T>C. VCF-style: chr5-110739265-T-C. GRCh37 (hg19) VCF-style: chr5-110074966-T-C.
Other names: c.146T>C, p.Ile49Thr (NM_001303249.3); c.10+1018T>C (NM_001303250.3); short protein forms I49T.
Identifiers: ClinVar variation 2037971 (VCV002037971.4), dbSNP rs1799540936, ClinGen allele CA360693239.

ClinVar aggregate classification (germline): Uncertain significance (1 of 4 stars; one submission).

Conditions:
Neuropathy, hereditary motor and sensory, type 6B (HMSN6B). Also called: HMSN VIB; CHARCOT-MARIE-TOOTH DISEASE, TYPE 6B; Neuropathy, hereditary motor and sensory, type VIB; NEUROPATHY, HEREDITARY MOTOR AND SENSORY, TYPE VIB, WITH OPTIC ATROPHY. Identifiers: MedGen C4225302, MONDO:0014671, OMIM 616505.

Submission:

Labcorp Genetics (formerly Invitae), Labcorp
Classification: Uncertain significance for Neuropathy, hereditary motor and sensory, type 6B. Last evaluated: 2021-12-19. Review status: criteria provided, single submitter. Criteria: Invitae Variant Classification Sherloc (09022015). Collection method: clinical testing. Allele origin: germline.
Comment: This sequence change replaces isoleucine, which is neutral and non-polar, with threonine, which is neutral and polar, at codon 49 of the SLC25A46 protein (p.Ile49Thr). This variant is not present in population databases (gnomAD no frequency). In summary, the available evidence is currently insufficient to determine the role of this variant in disease. Therefore, it has been classified as a Variant of Uncertain Significance. Algorithms developed to predict the effect of missense changes on protein structure and function are either unavailable or do not agree on the potential impact of this missense change (SIFT: "Tolerated"; PolyPhen-2: "Probably Damaging"; Align-GVGD: "Class C0"). This variant has not been reported in the literature in individuals affected with SLC25A46-related conditions.